The following is an entry in ClinVar:

ClinVar aggregate classification (germline): Pathogenic (1 of 4 stars; one submission).

Conditions:
Inborn genetic diseases. Identifiers: MedGen C0950123, MeSH D030342.

Submission:

Ambry Genetics
Classification: Pathogenic for Inborn genetic diseases. Last evaluated: 2026-03-02. Review status: criteria provided, single submitter. Criteria: Ambry Variant Classification Scheme 2023. Collection method: clinical testing. Allele origin: germline.
Comment: The p.S319* pathogenic mutation (also known as c.956C>A), located in coding exon 3 of the MBD4 gene, results from a C to A substitution at nucleotide position 956. This changes the amino acid from a serine to a stop codon within coding exon 3. This variant is considered to be rare based on population cohorts in the Genome Aggregation Database (gnomAD). This alteration is expected to result in loss of function by premature protein truncation or nonsense-mediated mRNA decay. As such, this alteration is interpreted as a disease-causing mutation.

NM_001276270.2(MBD4):c.956C>A (p.Ser319Ter)

Gene: MBD4 (methyl-CpG binding domain 4, DNA glycosylase; minus strand). Cytogenetic location: 3q21.3.
Variant type: single nucleotide variant.
Coding change: c.956C>A on transcript NM_001276270.2 (MANE Select); coding-DNA position 956, C replaced by A.
Protein change: p.Ser319Ter; replaces serine 319 with a stop codon.
Molecular consequence: nonsense. On other transcripts: intron variant (1).
Genome position (GRCh38, 1-based): chr3:129,436,688, G>T on the plus strand (C>A on the coding strand, the complement: MBD4 is on the minus strand). VCF-style: chr3-129436688-G-T. GRCh37 (hg19) VCF-style: chr3-129155531-G-T.
Other names: c.956C>A, p.Ser319Ter (NM_001276271.2, NM_001276272.2, NM_003925.3); c.247+1120C>A (NM_001276273.2); short protein forms S319*.
Identifiers: ClinVar variation 4827725 (VCV004827725.1).
Genomic context (GRCh38, chr3:129,436,688, plus strand): 5'-GCTGAACAAAATTTGTTTATGATGCCAGAAGTTTTTTGTTCAGAACAAAAATTTGATCCT[G>T]AACTCAATGATCTTTCTTTTTTTTTTACAAGGCTGTTTTCTTCACTGGTCACACTGAGGG-3'